The following is an entry in ClinVar:

ClinVar aggregate classification (germline): Uncertain significance (1 of 4 stars; one submission).

Conditions:
Neurofibromatosis, type 1 (NF1). Also called: Neurofibromatosis, type I; VON RECKLINGHAUSEN DISEASE; NEUROFIBROMATOSIS, TYPE I, SOMATIC; Peripheral type neurofibromatosis. Identifiers: Orphanet 636, MedGen C0027831, MONDO:0018975, OMIM 162200. Disease mechanism: loss of function.

Submission:

Labcorp Genetics (formerly Invitae), Labcorp
Classification: Uncertain significance for Neurofibromatosis, type 1. Last evaluated: 2025-09-21. Review status: criteria provided, single submitter. Criteria: Invitae Variant Classification Sherloc (09022015). Collection method: clinical testing. Allele origin: germline.
Comment: This sequence change replaces alanine, which is neutral and non-polar, with glycine, which is neutral and non-polar, at codon 1470 of the NF1 protein (p.Ala1470Gly). This variant is not present in population databases (gnomAD no frequency). This variant has not been reported in the literature in individuals affected with NF1-related conditions. Invitae Evidence Modeling of protein sequence and biophysical properties (such as structural, functional, and spatial information, amino acid conservation, physicochemical variation, residue mobility, and thermodynamic stability) indicates that this missense variant is not expected to disrupt NF1 protein function with a negative predictive value of 95%. In summary, the available evidence is currently insufficient to determine the role of this variant in disease. Therefore, it has been classified as a Variant of Uncertain Significance.

NM_001042492.3(NF1):c.4472C>G (p.Ala1491Gly)

Gene: NF1 (neurofibromin 1; plus strand). Cytogenetic location: 17q11.2.
Variant type: single nucleotide variant.
Coding change: c.4472C>G on transcript NM_001042492.3 (MANE Select); coding-DNA position 4472, C replaced by G.
Protein change: p.Ala1491Gly; replaces alanine 1491 with glycine.
Molecular consequence: missense variant.
Genome position (GRCh38, 1-based): chr17:31,260,410, C>G. VCF-style: chr17-31260410-C-G. GRCh37 (hg19) VCF-style: chr17-29587428-C-G.
Other names: c.4409C>G, p.Ala1470Gly (NM_000267.4); short protein forms A1491G, A1470G.
Identifiers: ClinVar variation 4782162 (VCV004782162.1).